The following is an entry in ClinVar:

NM_024642.5(GALNT12):c.1391C>G (p.Pro464Arg)

Gene: GALNT12 (polypeptide N-acetylgalactosaminyltransferase 12; plus strand). Cytogenetic location: 9q22.33.
Variant type: single nucleotide variant.
Coding change: c.1391C>G on transcript NM_024642.5 (MANE Select); coding-DNA position 1391, C replaced by G.
Protein change: p.Pro464Arg; replaces proline 464 with arginine.
Molecular consequence: missense variant.
Genome position (GRCh38, 1-based): chr9:98,844,142, C>G. VCF-style: chr9-98844142-C-G. GRCh37 (hg19) VCF-style: chr9-101606424-C-G.
Other names: short protein forms P464R.
Identifiers: ClinVar variation 1771560 (VCV001771560.2), dbSNP rs2118493912, ClinGen allele CA374221417.

ClinVar aggregate classification (germline): Uncertain significance (1 of 4 stars; one submission).

Submission:

Ambry Genetics
Classification: Uncertain significance. Last evaluated: 2021-05-06. Review status: criteria provided, single submitter. Criteria: Ambry Variant Classification Scheme 2023. Collection method: clinical testing. Allele origin: germline.
Comment: The p.P464R variant (also known as c.1391C>G), located in coding exon 8 of the GALNT12 gene, results from a C to G substitution at nucleotide position 1391. The proline at codon 464 is replaced by arginine, an amino acid with dissimilar properties. This amino acid position is not well conserved in available vertebrate species. In addition, this alteration is predicted to be tolerated by in silico analysis. Since supporting evidence is limited at this time, the clinical significance of this alteration remains unclear.